The following is an entry in ClinVar:

NM_000182.5(HADHA):c.1690-17_1690-2del

Genes: GAREM2 (GRB2 associated regulator of MAPK1 subtype 2; plus strand), HADHA (hydroxyacyl-CoA dehydrogenase trifunctional multienzyme complex subunit alpha; minus strand). Cytogenetic location: 2p23.3.
Variant type: Deletion.
Coding change: c.1690-17_1690-2del on transcript NM_000182.5 (MANE Select); 17 bases into the intron before coding-DNA position 1690 through the canonical splice acceptor site of the intron before coding-DNA position 1690, 16 bases deleted (CATCGCTTCCTGTTCA).
Molecular consequence: splice acceptor variant.
Genome position (GRCh38, 1-based): chr2:26,193,774-26,193,789, TGAACAGGAAGCGATG deleted on the plus strand (CATCGCTTCCTGTTCA on the coding strand, the reverse complement: HADHA is on the minus strand). VCF-style (leftmost placement, unchanged base first): chr2-26193773-CTGAACAGGAAGCGATG-C. GRCh37 (hg19) VCF-style: chr2-26416642-CTGAACAGGAAGCGATG-C.
Identifiers: ClinVar variation 848128 (VCV000848128.1), dbSNP rs1669581856, ClinGen allele CA916082518.

ClinVar aggregate classification (germline): Pathogenic (1 of 4 stars; one submission).

Conditions:
Mitochondrial trifunctional protein deficiency. Identifiers: Orphanet 746, MedGen C1969443, MONDO:0012172.
Long chain 3-hydroxyacyl-CoA dehydrogenase deficiency. Also called: Deficiency of long-chain 3-hydroxyacyl-coenzyme A dehydrogenase; LCHAD Deficiency. Identifiers: Orphanet 5, MedGen C3711645, MONDO:0012173, OMIM 609016.

Submission:

Labcorp Genetics (formerly Invitae), Labcorp
Classification: Pathogenic for Mitochondrial trifunctional protein deficiency; Long chain 3-hydroxyacyl-CoA dehydrogenase deficiency. Last evaluated: 2019-06-05. Review status: criteria provided, single submitter. Criteria: Invitae Variant Classification Sherloc (09022015). Collection method: clinical testing. Allele origin: germline.
Comment: This sequence change affects an acceptor splice site in intron 16 of the HADHA gene. It is expected to disrupt RNA splicing and likely results in an absent or disrupted protein product. This variant is not present in population databases (ExAC no frequency). Donor and acceptor splice site variants typically lead to a loss of protein function (PMID: 16199547), and loss-of-function variants in HADHA are known to be pathogenic (PMID: 7738175, 21103935, 21549624, 22459206). For these reasons, this variant has been classified as Pathogenic.

Literature cited by the submitters: PubMed 21103935; PubMed 21549624; PubMed 7738175; PubMed 22459206.